The following is an entry in ClinVar:

ClinVar aggregate classification (germline): Conflicting classifications of pathogenicity. Review status: no assertion criteria provided (0 of 4 stars). 2 submissions from 2 submitters: Pathogenic (1); Benign (1). Last evaluated 2020-05-04.

Conditions:
SLC22A18-related disorder. Also called: SLC22A18-related condition.
Rhabdomyosarcoma, somatic. Identifiers: MedGen C4016802.

Allele frequency attached by ClinVar (database versions not stated): gnomAD 0.00263 and 0.00346; TOPMed 0.00530; 1000 Genomes Project 0.01358; gnomAD exomes 0.01440; 1000 Genomes Project 30x 0.01546; ExAC 0.02911.
gnomAD v4.1: 3,939 of 1,536,602 alleles (0.26%); highest among the groups gnomAD compares: East Asian, 4.7%; 114 homozygotes.

Submissions (2):

PreventionGenetics, part of Exact Sciences
Classification: Benign for SLC22A18-related condition. Last evaluated: 2020-05-04. Review status: no assertion criteria provided. Collection method: clinical testing. Allele origin: germline.
Comment: This variant is classified as benign based on ACMG/AMP sequence variant interpretation guidelines (Richards et al. 2015 PMID: 25741868, with internal and published modifications).

OMIM
Classification: Pathogenic for RHABDOMYOSARCOMA, SOMATIC. Last evaluated: 1998-03-31. Review status: no assertion criteria provided. Collection method: literature only. Allele origin: somatic.

Literature cited by the submitters: PubMed 9520460 (cited by OMIM).

NM_002555.6(SLC67A1):c.257G>A (p.Arg86His)

Gene: SLC67A1 (solute carrier family 67 member 1; plus strand). Cytogenetic location: 11p15.4.
Variant type: single nucleotide variant.
Coding change: c.257G>A on transcript NM_002555.6 (MANE Select); coding-DNA position 257, G replaced by A.
Protein change: p.Arg86His; replaces arginine 86 with histidine.
Molecular consequence: missense variant. On other transcripts: intron variant (1).
Genome position (GRCh38, 1-based): chr11:2,909,210, G>A. VCF-style: chr11-2909210-G-A. GRCh37 (hg19) VCF-style: chr11-2930440-G-A.
Other names: 688G-A; c.512G>A, p.Arg171His (NM_001315501.2); c.257G>A, p.Arg86His (NM_183233.3); c.242+880G>A (NM_001315502.2); c.512G>A (NM_001315501.1); short protein forms R86H, R171H.
Identifiers: ClinVar variation 6977 (VCV000006977.4), dbSNP rs78838117, ClinGen allele CA118573.